The following is an entry in ClinVar:

ClinVar aggregate classification (germline): Uncertain significance. Review status: criteria provided, multiple submitters, no conflicts (2 of 4 stars). 5 submissions from 5 submitters: Uncertain significance (5). Last evaluated 2024-01-11.

Conditions:
Osteogenesis imperfecta type 8 (OI8). Identifiers: MedGen C1970458, MONDO:0012581, OMIM 610915.
Osteogenesis Imperfecta, Recessive.

Allele frequency attached by ClinVar (database versions not stated): ESP Exome Variant Server 0.00008; TOPMed 0.00014.
gnomAD v4.1: 170 of 1,614,020 alleles (0.011%); highest among the groups gnomAD compares: Middle Eastern, 0.016%; no homozygotes.

Submissions (6):

Fulgent Genetics
Classification: Uncertain significance for Osteogenesis imperfecta type 8. Last evaluated: 2024-01-11. Review status: criteria provided, single submitter. Criteria: ACMG Guidelines, 2015. Collection method: clinical testing. Allele origin: germline.

Women's Health and Genetics/Laboratory Corporation of America, LabCorp
Classification: Uncertain significance. Last evaluated: 2023-12-07. Review status: criteria provided, single submitter. Criteria: LabCorp Variant Classification Summary - May 2015. Collection method: clinical testing. Allele origin: germline.

Genome-Nilou Lab
Classification: Uncertain significance for Osteogenesis imperfecta type 8. Last evaluated: 2023-04-11. Review status: criteria provided, single submitter. Criteria: ACMG Guidelines, 2015. Collection method: clinical testing. Allele origin: germline. Affected: no.

Labcorp Genetics (formerly Invitae), Labcorp
Classification: Uncertain significance for Osteogenesis imperfecta type 8. Last evaluated: 2022-11-03. Review status: criteria provided, single submitter. Criteria: Invitae Variant Classification Sherloc (09022015). Collection method: clinical testing. Allele origin: germline.
Comment: This sequence change falls in intron 3 of the P3H1 gene. It does not directly change the encoded amino acid sequence of the P3H1 protein. It affects a nucleotide within the consensus splice site. This variant is present in population databases (rs368972030, gnomAD 0.01%). This variant has not been reported in the literature in individuals affected with P3H1-related conditions. ClinVar contains an entry for this variant (Variation ID: 873726). Variants that disrupt the consensus splice site are a relatively common cause of aberrant splicing (PMID: 17576681, 9536098). Algorithms developed to predict the effect of sequence changes on RNA splicing suggest that this variant may create or strengthen a splice site. In summary, the available evidence is currently insufficient to determine the role of this variant in disease. Therefore, it has been classified as a Variant of Uncertain Significance.

Illumina Laboratory Services, Illumina
Classification: Uncertain significance for Osteogenesis Imperfecta, Recessive. Last evaluated: 2017-04-27. Review status: criteria provided, single submitter. Criteria: ICSL Variant Classification Criteria 13 December 2019. Collection method: clinical testing. Allele origin: germline.

Dr. Peter K. Rogan Lab, Western University
No classification provided (evidence only). Condition: Colon adenocarcinoma. Review status: no classification provided. Collection method: in vitro. Allele origin: not applicable. Functional consequence: retained intron. Not counted in ClinVar's aggregate classification.

Literature cited by the submitters: PubMed 17576681 (cited by Labcorp Genetics (formerly Invitae), Labcorp); PubMed 9536098 (cited by Labcorp Genetics (formerly Invitae), Labcorp).

NM_022356.4(P3H1):c.808+5G>A

Gene: P3H1 (prolyl 3-hydroxylase 1; minus strand). Cytogenetic location: 1p34.2.
Variant type: single nucleotide variant.
Coding change: c.808+5G>A on transcript NM_022356.4 (MANE Select); 5 bases into the intron after coding-DNA position 808, G replaced by A.
Molecular consequence: intron variant.
Genome position (GRCh38, 1-based): chr1:42,759,196, C>T on the plus strand (G>A on the coding strand, the complement: P3H1 is on the minus strand). VCF-style: chr1-42759196-C-T. GRCh37 (hg19) VCF-style: chr1-43224867-C-T.
Other names: c.808+5G>A (NM_001146289.2, NM_001243246.2).
Identifiers: ClinVar variation 873726 (VCV000873726.13), dbSNP rs368972030, ClinGen allele CA802072.